The following is an entry in ClinVar:

NM_000020.3(ACVRL1):c.999C>A (p.Ser333Arg)

Gene: ACVRL1 (activin A receptor like type 1; plus strand). Cytogenetic location: 12q13.13.
Variant type: single nucleotide variant.
Coding change: c.999C>A on transcript NM_000020.3 (MANE Select); coding-DNA position 999, C replaced by A.
Protein change: p.Ser333Arg; replaces serine 333 with arginine.
Molecular consequence: missense variant.
Genome position (GRCh38, 1-based): chr12:51,915,451, C>A. VCF-style: chr12-51915451-C-A. GRCh37 (hg19) VCF-style: chr12-52309235-C-A.
Other names: c.999C>A, p.Ser333Arg (NM_001077401.2, NM_001406487.1, NM_001406488.1 and 1 more transcripts); c.687C>A, p.Ser229Arg (NM_001406490.1, NM_001406491.1, NM_001406492.1 and 2 more transcripts); c.435C>A, p.Ser145Arg (NM_001406495.1); short protein forms S145R, S229R, S333R.
Identifiers: ClinVar variation 1768846 (VCV001768846.4), dbSNP rs1453780248, ClinGen allele CA384901522.

ClinVar aggregate classification (germline): Conflicting classifications of pathogenicity. Review status: criteria provided, conflicting classifications (1 of 4 stars). 2 submissions from 2 submitters: Pathogenic (1); Uncertain significance (1). Last evaluated 2024-04-04.

Conditions:
Cardiovascular phenotype. Identifiers: MedGen CN230736.
Telangiectasia, hereditary hemorrhagic, type 2 (HHT2). Also called: ACVRL1-Related Hereditary Hemorrhagic Telangiectasia; Telangiectasia, hereditary hemorrhagic, type II. Identifiers: Orphanet 774, MedGen C1838163, MONDO:0010880, OMIM 600376. Disease mechanism: loss of function.

Submissions (2):

Labcorp Genetics (formerly Invitae), Labcorp
Classification: Pathogenic for Telangiectasia, hereditary hemorrhagic, type 2. Last evaluated: 2024-04-04. Review status: criteria provided, single submitter. Criteria: Invitae Variant Classification Sherloc (09022015). Collection method: clinical testing. Allele origin: germline.
Comment: This sequence change replaces serine, which is neutral and polar, with arginine, which is basic and polar, at codon 333 of the ACVRL1 protein (p.Ser333Arg). This variant is not present in population databases (gnomAD no frequency). This missense change has been observed in individual(s) with clinical features of hereditary hemorrhagic telangiectasia (Invitae). ClinVar contains an entry for this variant (Variation ID: 1768846). Advanced modeling of protein sequence and biophysical properties (such as structural, functional, and spatial information, amino acid conservation, physicochemical variation, residue mobility, and thermodynamic stability) performed at Invitae indicates that this missense variant is expected to disrupt ACVRL1 protein function with a positive predictive value of 95%. This variant disrupts the p.Ser333 amino acid residue in ACVRL1. Other variant(s) that disrupt this residue have been determined to be pathogenic (PMID: 9245985, 10767348, 12843319, 21158752). This suggests that this residue is clinically significant, and that variants that disrupt this residue are likely to be disease-causing. For these reasons, this variant has been classified as Pathogenic.

Ambry Genetics
Classification: Uncertain significance for Cardiovascular phenotype. Last evaluated: 2019-11-01. Review status: criteria provided, single submitter. Criteria: Ambry Variant Classification Scheme 2023. Collection method: clinical testing. Allele origin: germline.
Comment: The p.S333R variant (also known as c.999C>A), located in coding exon 6 of the ACVRL1 gene, results from a C to A substitution at nucleotide position 999. The serine at codon 333 is replaced by arginine, an amino acid with dissimilar properties. This amino acid position is highly conserved in available vertebrate species. In addition, this alteration is predicted to be deleterious by in silico analysis. Since supporting evidence is limited at this time, the clinical significance of this alteration remains unclear.

Literature cited by the submitters: PubMed 9245985 (cited by Labcorp Genetics (formerly Invitae), Labcorp); PubMed 10767348 (cited by Labcorp Genetics (formerly Invitae), Labcorp); PubMed 12843319 (cited by Labcorp Genetics (formerly Invitae), Labcorp); PubMed 21158752 (cited by Labcorp Genetics (formerly Invitae), Labcorp).